The following is an entry in ClinVar:

NM_000222.3(KIT):c.2459A>G (p.Asp820Gly)

Gene: KIT (KIT proto-oncogene, receptor tyrosine kinase; plus strand). Cytogenetic location: 4q12.
Variant type: single nucleotide variant.
Coding change: c.2459A>G on transcript NM_000222.3 (MANE Select); coding-DNA position 2459, A replaced by G.
Protein change: p.Asp820Gly; replaces aspartic acid 820 with glycine.
Molecular consequence: missense variant.
Genome position (GRCh38, 1-based): chr4:54,733,167, A>G. VCF-style: chr4-54733167-A-G. GRCh37 (hg19) VCF-style: chr4-55599333-A-G.
Other names: c.2447A>G, p.Asp816Gly (NM_001093772.2, NM_001385292.1); c.2462A>G, p.Asp821Gly (NM_001385284.1); c.2456A>G, p.Asp819Gly (NM_001385285.1); c.2444A>G, p.Asp815Gly (NM_001385286.1); c.2450A>G, p.Asp817Gly (NM_001385288.1); c.2459A>G, p.Asp820Gly (NM_001385290.1); short protein forms D820G, D816G, D815G, D817G, D819G, D821G.
Identifiers: ClinVar variation 13853 (VCV000013853.10), dbSNP rs121913682, ClinGen allele CA123516.

ClinVar aggregate classification (germline): Uncertain significance. Review status: criteria provided, single submitter (1 of 4 stars). 2 submissions from 2 submitters: Uncertain significance (1). 1 of the submissions does not count toward it. Last evaluated 2022-08-12.
ClinVar aggregate classification (somatic clinical impact): Tier I - Strong (1 of 4 stars; one submission).

Conditions:
MASTOCYTOSIS, SYSTEMIC, SOMATIC.
Gastrointestinal stromal tumor. Also called: Gastrointestinal stromal tumor, somatic; Gastrointestinal stroma tumor. Identifiers: Orphanet 44890, MedGen C0238198, MeSH D046152, MONDO:0011719, OMIM 606764, HP:0100723.
Germinoma. Also called: Germinoma (disease). Identifiers: MedGen C0206660, MONDO:0002598, HP:0100620.

Submissions (3):

Institute for Genomic Medicine (IGM) Clinical Laboratory, Nationwide Children's Hospital
Classification: Tier I - Strong for Germinoma. Assertion type: diagnostic. Clinical significance: supports diagnosis. Last evaluated: 2024-09-22. Review status: criteria provided, single submitter. Criteria: AMP/ASCO/CAP Guidelines, 2017. Collection method: clinical testing. Allele origin: somatic. Affected: yes.
Comment: Variant has Tier I (strong) clinical significance as a diagnostic inclusion criterion in germinoma, based on the following evidence: 1) Documented in one or more cancer databases (e.g., St. Jude Pecan, COSMIC, CIViC, OncoKB). 2) Appears in one or more well-established professional guidelines (e.g., World Health Organization [WHO]; National Comprehensive Cancer Network [NCCN]) as providing diagnostic, prognostic, or therapeutic information. 3) Information in the literature supports potential biologic effect of variant (PMIDs: 18955458, 18623623, 16954519). 4) Diagnostic for a specific tumor type/classification based on well-powered studies with expert-level consensus (Evidence Level B; PMIDs: 24452629, 24896186, 27391150).

Labcorp Genetics (formerly Invitae), Labcorp
Classification: Uncertain significance for Gastrointestinal stromal tumor. Last evaluated: 2022-08-12. Review status: criteria provided, single submitter. Criteria: Invitae Variant Classification Sherloc (09022015). Collection method: clinical testing. Allele origin: germline.
Comment: In summary, the available evidence is currently insufficient to determine the role of this variant in disease. Therefore, it has been classified as a Variant of Uncertain Significance. This variant disrupts the p.Asp820 amino acid residue in KIT. Other variant(s) that disrupt this residue have been determined to be pathogenic (PMID: 11984533, 19847891). This suggests that this residue is clinically significant, and that variants that disrupt this residue are likely to be disease-causing. Algorithms developed to predict the effect of missense changes on protein structure and function (SIFT, PolyPhen-2, Align-GVGD) all suggest that this variant is likely to be disruptive. ClinVar contains an entry for this variant (Variation ID: 13853). This missense change has been observed in individual(s) with gastrointestinal stromal tumors (Invitae). This variant is not present in population databases (gnomAD no frequency). This sequence change replaces aspartic acid, which is acidic and polar, with glycine, which is neutral and non-polar, at codon 820 of the KIT protein (p.Asp820Gly).

OMIM
Classification: Pathogenic for MASTOCYTOSIS, SYSTEMIC, SOMATIC. Last evaluated: 1997-02-01. Review status: no assertion criteria provided. Collection method: literature only. Allele origin: somatic. Not counted in ClinVar's aggregate classification.

Literature cited by the submitters: PubMed 18955458 (cited by Institute for Genomic Medicine (IGM) Clinical Laboratory, Nationwide Children's Hospital); PubMed 18623623 (cited by Institute for Genomic Medicine (IGM) Clinical Laboratory, Nationwide Children's Hospital); PubMed 16954519 (cited by Institute for Genomic Medicine (IGM) Clinical Laboratory, Nationwide Children's Hospital); PubMed 24452629 (cited by Institute for Genomic Medicine (IGM) Clinical Laboratory, Nationwide Children's Hospital); PubMed 24896186 (cited by Institute for Genomic Medicine (IGM) Clinical Laboratory, Nationwide Children's Hospital); PubMed 27391150 (cited by Institute for Genomic Medicine (IGM) Clinical Laboratory, Nationwide Children's Hospital); PubMed 11984533 (cited by Labcorp Genetics (formerly Invitae), Labcorp); PubMed 19847891 (cited by Labcorp Genetics (formerly Invitae), Labcorp); PubMed 9029028 (cited by OMIM).